The following is an entry in ClinVar:

NR_125730.1(RNU6-2):n.56_57insG

Gene: RNU6-2 (RNA, U6 small nuclear 2; plus strand). Cytogenetic location: 19p13.3.
Variant type: Insertion.
Molecular consequence: non-coding transcript variant (on NR_125730.1).
Genome position: GRCh38 VCF-style: chr19-1021577-A-AG. GRCh37 (hg19) VCF-style: chr19-1021576-A-AG.
Other names: NC_000019.10:g.1021577_1021578insG.
Identifiers: ClinVar variation 4282510 (VCV004282510.1).
Genomic context (GRCh38, chr19:1,021,577, plus strand): 5'-GAGTCGTGCTCGCTTCGGCAGCACATATACTAAAATTGGAACGATACAGAGAAGATTAGC[A>AG]TGGCCCCTGCGCAAGGATGACACGCAAATTCGTGAAGCGTTCCATATTTTTGCTGTAGTC-3'

ClinVar aggregate classification (germline): Uncertain significance (1 of 4 stars; one submission).

Conditions:
Retinitis pigmentosa (RP). Identifiers: Orphanet 791, MedGen C0035334, MeSH D012174, MONDO:0019200, OMIM 268000. Inheritance: Autosomal dominant, autosomal recessive and X linked inheritance.

Submission:

Ophthalmic Genetics Group, Institute of Molecular and Clinical Ophthalmology Basel
Classification: Uncertain significance for Retinitis pigmentosa. Last evaluated: 2025-10-01. Review status: criteria provided, single submitter. Criteria: ACMG Guidelines, 2015. Collection method: research. Allele origin: germline. Affected: yes. Observed: 2 variant alleles.
Comment: The NR_125730.1:n.56_57insG variant is a single base-pair insertion in RNU6-2. It is present once in gnomAD (v4.1.0) and absent from AllofUs. It was also shown to affect a conserved region and to have an effect on the U4/U6 duplex modeled in 2D. In summary, using ACMG criteria and more specifically ClinGen recommendations, this variant was classified as a variant of uncertain significance (VUS) with PP1_sup criteria.